The following is an entry in ClinVar:

ClinVar aggregate classification (germline): Likely pathogenic (0 of 4 stars; one submission).

Conditions:
Long QT syndrome (LQTS). Identifiers: MedGen C0023976, MeSH D008133, MONDO:0002442. Disease mechanism: loss of function. Inheritance: Various modes of inheritance.
Timothy syndrome (TS). Also called: LONG QT SYNDROME WITH SYNDACTYLY. Identifiers: Orphanet 65283, MedGen C1832916, MeSH C536962, MONDO:0010979, OMIM 601005.

Submission:

Curation Department, Healx
Classification: Likely pathogenic for Timothy syndrome; Long QT syndrome. Last evaluated: 2024-04-29. Review status: no assertion criteria provided. Collection method: clinical testing. Allele origin: unknown. Inheritance: Autosomal dominant inheritance. Affected: yes. Observed: 1 heterozygote.
Comment: Following evidence codes supports Likely Pathogenic classification: PM2,PM5,PM6,PP3,PP4

NM_000719.7(CACNA1C):c.1552C>A (p.Arg518Ser)

Gene: CACNA1C (calcium voltage-gated channel subunit alpha1 C; plus strand). Cytogenetic location: 12p13.33.
Variant type: single nucleotide variant.
Coding change: c.1552C>A on transcript NM_000719.7 (MANE Select); coding-DNA position 1552, C replaced by A.
Protein change: p.Arg518Ser; replaces arginine 518 with serine.
Molecular consequence: missense variant.
Genome position (GRCh38, 1-based): chr12:2,566,465, C>A. VCF-style: chr12-2566465-C-A. GRCh37 (hg19) VCF-style: chr12-2675631-C-A.
Other names: c.1552C>A, p.Arg518Ser (NM_001129827.2, NM_001129829.2, NM_001129830.3 and 18 more transcripts); c.1543C>A, p.Arg515Ser (NM_001129844.2); short protein forms R515S, R518S.
Identifiers: ClinVar variation 3233417 (VCV003233417.2), dbSNP rs786205748, ClinGen allele CA383368477.